The following is an entry in ClinVar:

NM_000278.5(PAX2):c.27dup (p.Phe10fs)

Gene: PAX2 (paired box 2; plus strand). Cytogenetic location: 10q24.31.
Variant type: Duplication.
Coding change: c.27dup on transcript NM_000278.5 (MANE Select); coding-DNA position 27, one base duplicated (C; older notation c.27dupC).
Protein change: p.Phe10fs; shifts the reading frame from phenylalanine 10.
Molecular consequence: frameshift variant.
Genome position (GRCh38, 1-based): chr10:100,746,287, C duplicated; the last of 4 consecutive C bases (chr10:100,746,284-100,746,287); duplicating any one gives the same sequence. VCF-style (leftmost placement, unchanged base first): chr10-100746283-A-AC. GRCh37 (hg19) VCF-style: chr10-102506040-A-AC.
Other names: c.120dup, p.Phe41fs (NM_001304569.2, NM_001374303.1); c.27dup, p.Phe10fs (NM_003987.5, NM_003988.5, NM_003989.5 and 1 more transcripts); c.27_28insC (NM_003990.5); short protein forms F10fs, F41fs.
Identifiers: ClinVar variation 4856418 (VCV004856418.1).

ClinVar aggregate classification (germline): Likely pathogenic (1 of 4 stars; one submission).

Conditions:
Focal segmental glomerulosclerosis 7 (FSGS7). Identifiers: Orphanet 656, MedGen C4014925, MONDO:0014451, OMIM 616002.

Submission:

Molecular Lab, University of Sulaimaniyah
Classification: Likely pathogenic for Focal segmental glomerulosclerosis 7. Last evaluated: 2026-04-06. Review status: criteria provided, single submitter. Criteria: ACMG Guidelines, 2015. Collection method: research. Allele origin: germline. Inheritance: Autosomal dominant inheritance. Affected: yes. Observed: 1 variant allele, 1 homozygote.
Comment: This variant was classified using the ACMG/AMP 2015 framework (PMID:25741868). PVS1 was applied because PAX2 c.27_28insC is predicted to cause a frameshift and premature termination. PM2 was considered because the variant is absent or rare in population databases. PP4 was used as supporting case-level evidence because the variant was observed in an affected individual with biopsy-proven focal segmental glomerulosclerosis. As internal case-level support, the variant was observed in 1 affected individual(s) among 35 individuals tested, including 1 single heterozygote. No functional assay evidence is submitted. Overall, the submitted evidence supported a Likely pathogenic classification.